The following is an entry in ClinVar:

ClinVar aggregate classification (germline): Uncertain significance. Review status: criteria provided, multiple submitters, no conflicts (2 of 4 stars). 2 submissions from 2 submitters: Uncertain significance (2). Last evaluated 2024-11-06.

Submissions (2):

Blueprint Genetics
Classification: Uncertain significance. Last evaluated: 2024-11-06. Review status: criteria provided, single submitter. Criteria: ACMG Guidelines, 2015. Collection method: clinical testing. Allele origin: germline.

Labcorp Genetics (formerly Invitae), Labcorp
Classification: Uncertain significance. Last evaluated: 2022-08-19. Review status: criteria provided, single submitter. Criteria: Invitae Variant Classification Sherloc (09022015). Collection method: clinical testing. Allele origin: germline.
Comment: This variant, c.210_215del, results in the deletion of 2 amino acid(s) of the BLOC1S3 protein (p.Glu72_Pro73del), but otherwise preserves the integrity of the reading frame. This variant is present in population databases (rs780096106, gnomAD 0.05%). This variant has not been reported in the literature in individuals affected with BLOC1S3-related conditions. Experimental studies and prediction algorithms are not available or were not evaluated, and the functional significance of this variant is currently unknown. In summary, the available evidence is currently insufficient to determine the role of this variant in disease. Therefore, it has been classified as a Variant of Uncertain Significance.

NM_212550.5(BLOC1S3):c.198GCCGGA[2] (p.66EP[3])

Gene: BLOC1S3 (biogenesis of lysosomal organelles complex 1 subunit 3; plus strand). Cytogenetic location: 19q13.32.
Variant type: Microsatellite.
Coding change: c.198GCCGGA[2] on transcript NM_212550.5 (MANE Select); two copies in a row of the 6-base unit GCCGGA starting at c.198; the reference has three copies in a row; one copy, 6 bases deleted.
Protein change: p.66EP[3].
Molecular consequence: inframe deletion.
Genome position (GRCh38, 1-based): chr19:45,179,506-45,179,511, GCCGGA deleted; deleting any 6 consecutive bases within chr19:45,179,490-45,179,511 gives the same sequence; the position shown is the placement nearest the transcript's 3' end. VCF-style (leftmost placement, unchanged base first): chr19-45179489-TCGGAGC-T. GRCh37 (hg19) VCF-style: chr19-45682747-TCGGAGC-T.
Identifiers: ClinVar variation 1015982 (VCV001015982.5), dbSNP rs552143332, ClinGen allele CA9510235.